The following is an entry in ClinVar:

ClinVar aggregate classification (germline): Uncertain significance (1 of 4 stars; one submission).

Submission:

GeneDx
Classification: Uncertain significance. Last evaluated: 2022-09-21. Review status: criteria provided, single submitter. Criteria: GeneDx Variant Classification Process June 2021. Collection method: clinical testing. Allele origin: germline. Affected: yes.
Comment: Not observed at significant frequency in large population cohorts (gnomAD); In silico analysis supports that this missense variant does not alter protein structure/function; Has not been previously published as pathogenic or benign to our knowledge

NM_006079.5(CITED2):c.19G>C (p.Ala7Pro)

Gene: CITED2 (Cbp/p300 interacting transactivator with Glu/Asp rich carboxy-terminal domain 2; minus strand). Cytogenetic location: 6q24.1.
Variant type: single nucleotide variant.
Coding change: c.19G>C on transcript NM_006079.5 (MANE Select); coding-DNA position 19, G replaced by C.
Protein change: p.Ala7Pro; replaces alanine 7 with proline.
Molecular consequence: missense variant.
Genome position (GRCh38, 1-based): chr6:139,373,926, C>G on the plus strand (G>C on the coding strand, the complement: CITED2 is on the minus strand). VCF-style: chr6-139373926-C-G. GRCh37 (hg19) VCF-style: chr6-139695063-C-G.
Other names: c.19G>C, p.Ala7Pro (NM_001168388.3); c.34G>C, p.Ala12Pro (NM_001168389.3); short protein forms A12P, A7P.
Identifiers: ClinVar variation 2446089 (VCV002446089.1), dbSNP rs2482760779, ClinGen allele CA365878326.